The following is an entry in ClinVar:

ClinVar aggregate classification (germline): Uncertain significance (1 of 4 stars; one submission).

gnomAD v4.1: 1 of 1,614,030 alleles (0.000062%); highest among the groups gnomAD compares: African/African-American, 0.0013%; no homozygotes.

Submission:

CeGaT Center for Human Genetics Tuebingen
Classification: Uncertain significance. Last evaluated: 2022-06-01. Review status: criteria provided, single submitter. Criteria: CeGaT Center For Human Genetics Tuebingen Variant Classification Criteria Version 2. Collection method: clinical testing. Allele origin: germline. Affected: yes. Observed: 1 variant allele.
Comment: FLG: PM2, BP4

NM_002016.2(FLG):c.6343C>A (p.Gln2115Lys)

Genes: CCDST (cervical cancer associated DHX9 suppressive transcript; plus strand), FLG (filaggrin; minus strand). Cytogenetic location: 1q21.3.
Variant type: single nucleotide variant.
Coding change: c.6343C>A on transcript NM_002016.2 (MANE Select); coding-DNA position 6343, C replaced by A.
Protein change: p.Gln2115Lys; replaces glutamine 2115 with lysine.
Molecular consequence: missense variant.
Genome position (GRCh38, 1-based): chr1:152,308,543, G>T on the plus strand (C>A on the coding strand, the complement: FLG is on the minus strand). VCF-style: chr1-152308543-G-T. GRCh37 (hg19) VCF-style: chr1-152281019-G-T.
Other names: short protein forms Q2115K.
Identifiers: ClinVar variation 2639279 (VCV002639279.24), dbSNP rs1168517932, ClinGen allele CA342053937.